The following is an entry in ClinVar:

NM_006033.4(LIPG):c.231C>G (p.Cys77Trp)

Gene: LIPG (lipase G, endothelial type; plus strand). Cytogenetic location: 18q21.1.
Variant type: single nucleotide variant.
Coding change: c.231C>G on transcript NM_006033.4 (MANE Select); coding-DNA position 231, C replaced by G.
Protein change: p.Cys77Trp; replaces cysteine 77 with tryptophan.
Molecular consequence: missense variant.
Genome position (GRCh38, 1-based): chr18:49,565,450, C>G. VCF-style: chr18-49565450-C-G. GRCh37 (hg19) VCF-style: chr18-47091820-C-G.
Other names: c.231C>G, p.Cys77Trp (NM_001308006.2); short protein forms C77W.
Identifiers: ClinVar variation 4801785 (VCV004801785.1).
Genomic context (GRCh38, chr18:49,565,450, plus strand): 5'-GGACCCAGAGCATGAAGGATGCTACCTCTCCGTCGGCCACAGCCAGCCCTTAGAAGACTG[C>G]AGTTTCAACATGACAGCTAAAACCTTTTTCATCATTCACGGATGGACGGTGAGCCCGGGG-3'
Protein context (NP_006024.1, residues 67-87): SVGHSQPLED[Cys77Trp]SFNMTAKTFF

ClinVar aggregate classification (germline): Uncertain significance (1 of 4 stars; one submission).

Submission:

Labcorp Genetics (formerly Invitae), Labcorp
Classification: Uncertain significance. Last evaluated: 2025-02-28. Review status: criteria provided, single submitter. Criteria: Invitae Variant Classification Sherloc (09022015). Collection method: clinical testing. Allele origin: germline.
Comment: This sequence change replaces cysteine, which is neutral and slightly polar, with tryptophan, which is neutral and slightly polar, at codon 77 of the LIPG protein (p.Cys77Trp). This variant is present in population databases (no rsID available, gnomAD 0.0009%). This variant has not been reported in the literature in individuals affected with LIPG-related conditions. An algorithm developed to predict the effect of missense changes on protein structure and function (PolyPhen-2) suggests that this variant is likely to be disruptive. In summary, the available evidence is currently insufficient to determine the role of this variant in disease. Therefore, it has been classified as a Variant of Uncertain Significance.